The following is an entry in ClinVar:

NM_000152.5(GAA):c.2341G>A (p.Glu781Lys)

Gene: GAA (alpha glucosidase; plus strand). Cytogenetic location: 17q25.3.
Variant type: single nucleotide variant.
Coding change: c.2341G>A on transcript NM_000152.5 (MANE Select); coding-DNA position 2341, G replaced by A.
Protein change: p.Glu781Lys; replaces glutamic acid 781 with lysine.
Molecular consequence: missense variant.
Genome position (GRCh38, 1-based): chr17:80,117,609, G>A. VCF-style: chr17-80117609-G-A. GRCh37 (hg19) VCF-style: chr17-78091408-G-A.
Other names: c.2341G>A, p.Glu781Lys (NM_001079803.3, NM_001079804.3, NM_001406741.1 and 1 more transcripts); short protein forms E781K.
Identifiers: ClinVar variation 1908916 (VCV001908916.4), dbSNP rs906058524, ClinGen allele CA294857110.

ClinVar aggregate classification (germline): Uncertain significance (1 of 4 stars; one submission).

Conditions:
Glycogen storage disease, type II (IOPD). Also called: CARDIOMEGALIA GLYCOGENICA DIFFUSA; POMPE DISEASE, INFANTILE-ONSET; GLYCOGEN STORAGE DISEASE II, INFANTILE-ONSET; ACID ALPHA-GLUCOSIDASE DEFICIENCY, INFANTILE-ONSET; GAA DEFICIENCY, INFANTILE-ONSET; ACID MALTASE DEFICIENCY, INFANTILE-ONSET. Identifiers: Orphanet 365, MedGen C0017921, MONDO:0009290, OMIM 232300.

Allele frequency attached by ClinVar (database versions not stated): TOPMed below 0.00001.

Submission:

Labcorp Genetics (formerly Invitae), Labcorp
Classification: Uncertain significance for Glycogen storage disease, type II. Last evaluated: 2022-02-27. Review status: criteria provided, single submitter. Criteria: Invitae Variant Classification Sherloc (09022015). Collection method: clinical testing. Allele origin: germline.
Comment: This sequence change replaces glutamic acid, which is acidic and polar, with lysine, which is basic and polar, at codon 781 of the GAA protein (p.Glu781Lys). This variant is not present in population databases (gnomAD no frequency). This variant has not been reported in the literature in individuals affected with GAA-related conditions. Advanced modeling of protein sequence and biophysical properties (such as structural, functional, and spatial information, amino acid conservation, physicochemical variation, residue mobility, and thermodynamic stability) performed at Invitae indicates that this missense variant is not expected to disrupt GAA protein function. In summary, the available evidence is currently insufficient to determine the role of this variant in disease. Therefore, it has been classified as a Variant of Uncertain Significance.